The following is an entry in ClinVar:

ClinVar aggregate classification (germline): Benign/Likely benign. Review status: criteria provided, multiple submitters, no conflicts (2 of 4 stars). 5 submissions from 5 submitters: Benign (3); Likely benign (1). 1 of the submissions does not count toward it. Last evaluated 2026-02-02.

Conditions:
Agammaglobulinemia 5, autosomal dominant (AGM5). Also called: AGAMMAGLOBULINEMIA, AUTOSOMAL DOMINANT, DUE TO LRRC8A DEFECT. Identifiers: MedGen C3150753, MONDO:0013290, OMIM 613506.
LRRC8A-related disorder. Also called: LRRC8A-related condition.

Allele frequency attached by ClinVar (database versions not stated): gnomAD exomes 0.00076 and 0.00155; ESP Exome Variant Server 0.00077; TOPMed 0.00098; gnomAD 0.00099 and 0.00102; ExAC 0.00128.
gnomAD v4.1: 1,387 of 1,613,350 alleles (0.086%); highest among the groups gnomAD compares: South Asian, 0.045%; 13 homozygotes.

Submissions (5):

Labcorp Genetics (formerly Invitae), Labcorp
Classification: Benign. Last evaluated: 2026-02-02. Review status: criteria provided, single submitter. Criteria: Invitae Variant Classification Sherloc (09022015). Collection method: clinical testing. Allele origin: germline.

ARUP Laboratories, Molecular Genetics and Genomics, ARUP Laboratories
Classification: Benign for Agammaglobulinemia 5, autosomal dominant. Last evaluated: 2023-09-14. Review status: criteria provided, single submitter. Criteria: ARUP Molecular Germline Variant Investigation Process 2024. Collection method: clinical testing. Allele origin: germline.

Fulgent Genetics
Classification: Likely benign for Agammaglobulinemia 5, autosomal dominant. Last evaluated: 2021-07-09. Review status: criteria provided, single submitter. Criteria: ACMG Guidelines, 2015. Collection method: clinical testing. Allele origin: unknown.

Department of Pathology and Laboratory Medicine, Sinai Health System
Classification: Benign for Agammaglobulinemia 5, autosomal dominant. Last evaluated: 2020-08-25. Review status: criteria provided, single submitter. Criteria: ACMG Guidelines, 2015. Collection method: research. Allele origin: germline.

PreventionGenetics, part of Exact Sciences
Classification: Benign for LRRC8A-related condition. Last evaluated: 2020-05-22. Review status: no assertion criteria provided. Collection method: clinical testing. Allele origin: germline. Not counted in ClinVar's aggregate classification.
Comment: This variant is classified as benign based on ACMG/AMP sequence variant interpretation guidelines (Richards et al. 2015 PMID: 25741868, with internal and published modifications).

NM_019594.4(LRRC8A):c.1606G>A (p.Val536Ile)

Gene: LRRC8A (leucine rich repeat containing 8 VRAC subunit A; plus strand). Cytogenetic location: 9q34.11.
Variant type: single nucleotide variant.
Coding change: c.1606G>A on transcript NM_019594.4 (MANE Select); coding-DNA position 1606, G replaced by A.
Protein change: p.Val536Ile; replaces valine 536 with isoleucine.
Molecular consequence: missense variant.
Genome position (GRCh38, 1-based): chr9:128,908,770, G>A. VCF-style: chr9-128908770-G-A. GRCh37 (hg19) VCF-style: chr9-131671049-G-A.
Other names: c.1606G>A, p.Val536Ile (NM_001127244.2, NM_001127245.2); short protein forms V536I.
Identifiers: ClinVar variation 722489 (VCV000722489.15), dbSNP rs138622041, ClinGen allele CA5270919.